The following is an entry in ClinVar:

NM_016239.4(MYO15A):c.885C>T (p.Tyr295=)

Gene: MYO15A (myosin XVA; plus strand). Cytogenetic location: 17p11.2.
Variant type: single nucleotide variant.
Coding change: c.885C>T on transcript NM_016239.4 (MANE Select); coding-DNA position 885, C replaced by T.
Protein change: p.Tyr295=; no amino-acid change (tyrosine 295 retained).
Molecular consequence: synonymous variant.
Genome position (GRCh38, 1-based): chr17:18,119,685, C>T. VCF-style: chr17-18119685-C-T. GRCh37 (hg19) VCF-style: chr17-18022999-C-T.
Identifiers: ClinVar variation 746121 (VCV000746121.8), dbSNP rs548613205, ClinGen allele CA8422962.
Genomic context (GRCh38, chr17:18,119,685, plus strand): 5'-CGACCACTACTACGGGTACCCGCCCGAGGATCCCTACGACTACTACCACCCCGACTATTA[C>T]GGTGGCCCCTTTGATCCGGGGTACACCTACGGCTACGGCTACGACGATTACGAACCCCCA-3'
Protein context (NP_057323.3, residues 285-305): DPYDYYHPDY[Tyr295=]GGPFDPGYTY

ClinVar aggregate classification (germline): Likely benign. Review status: criteria provided, multiple submitters, no conflicts (2 of 4 stars). 2 submissions from 2 submitters: Likely benign (2). Last evaluated 2025-12-15.

Conditions:
MYO15A-related disorder. Also called: MYO15A-related condition.

Allele frequency attached by ClinVar (database versions not stated): ExAC 0.00004; gnomAD exomes 0.00007 and 0.00011; TOPMed 0.00010; gnomAD 0.00011 and 0.00012.
gnomAD v4.1: 180 of 1,608,496 alleles (0.011%); highest among the groups gnomAD compares: Non-Finnish European, 0.014%; no homozygotes.

Submissions (2):

Labcorp Genetics (formerly Invitae), Labcorp
Classification: Likely benign. Last evaluated: 2025-12-15. Review status: criteria provided, single submitter. Criteria: Invitae Variant Classification Sherloc (09022015). Collection method: clinical testing. Allele origin: germline.

PreventionGenetics, part of Exact Sciences
Classification: Likely benign for MYO15A-related condition. Last evaluated: 2025-08-04. Review status: criteria provided, single submitter. Criteria: ACMG Guidelines, 2015. Collection method: clinical testing. Allele origin: germline.
Comment: This variant is classified as likely benign based on ACMG/AMP sequence variant interpretation guidelines (Richards et al. 2015 PMID: 25741868, with internal and published modifications).